The following is an entry in ClinVar:

NM_001308093.3(GATA4):c.797G>A (p.Arg266His)

Gene: GATA4 (GATA binding protein 4). Cytogenetic location: 8p23.1.
Variant type: single nucleotide variant.
Coding change: c.797G>A on transcript NM_001308093.3 (MANE Select); coding-DNA position 797, G replaced by A.
Protein change: p.Arg266His; replaces arginine 266 with histidine.
Molecular consequence: missense variant. On other transcripts: intron variant (1).
Genome position (GRCh38, 1-based): chr8:11,750,121, G>A. VCF-style: chr8-11750121-G-A. GRCh37 (hg19) VCF-style: chr8-11607630-G-A.
Other names: c.176G>A, p.Arg59His (NM_001308094.2, NM_001374273.1); c.794G>A, p.Arg265His (NM_002052.5); c.165+1036G>A (NM_001374274.1); short protein forms R59H, R265H, R266H.
Identifiers: ClinVar variation 3019607 (VCV003019607.3), dbSNP rs745533633, ClinGen allele CA4630709.

ClinVar aggregate classification (germline): Uncertain significance (1 of 4 stars; one submission).

Conditions:
Atrioventricular septal defect 4 (AVSD4). Identifiers: MedGen C3280781, MONDO:0013747, OMIM 614430.

Allele frequency attached by ClinVar (database versions not stated): TOPMed below 0.00001; ExAC 0.00002; gnomAD exomes 0.00001.
gnomAD v4.1: 15 of 1,614,060 alleles (0.00093%); highest among the groups gnomAD compares: Non-Finnish European, 0.0012%; no homozygotes.

Submission:

Labcorp Genetics (formerly Invitae), Labcorp
Classification: Uncertain significance for Atrioventricular septal defect 4. Last evaluated: 2026-01-05. Review status: criteria provided, single submitter. Criteria: Invitae Variant Classification Sherloc (09022015). Collection method: clinical testing. Allele origin: germline.
Comment: This sequence change replaces arginine, which is basic and polar, with histidine, which is basic and polar, at codon 265 of the GATA4 protein (p.Arg265His). This variant is present in population databases (rs745533633, gnomAD 0.003%). This variant has not been reported in the literature in individuals affected with GATA4-related conditions. ClinVar contains an entry for this variant (Variation ID: 3019607). Invitae Evidence Modeling of protein sequence and biophysical properties (such as structural, functional, and spatial information, amino acid conservation, physicochemical variation, residue mobility, and thermodynamic stability) has been performed for this missense variant. However, the output from this modeling did not meet the statistical confidence thresholds required to predict the impact of this variant on GATA4 protein function. In summary, the available evidence is currently insufficient to determine the role of this variant in disease. Therefore, it has been classified as a Variant of Uncertain Significance.